The following is an entry in ClinVar:

ClinVar aggregate classification (germline): Uncertain significance (1 of 4 stars; one submission).

Conditions:
Noonan syndrome 4 (NS4). Also called: NOONAN SYNDROME WITH PIGMENTED VILLONODULAR SYNOVITIS; SOS1-Related Noonan Syndrome. Identifiers: Orphanet 648, MedGen C1853120, MONDO:0012547, OMIM 610733.

Submission:

New York Genome Center
Classification: Uncertain significance for Noonan syndrome 4. Last evaluated: 2021-05-07. Review status: criteria provided, single submitter. Criteria: NYGC Assertion Criteria 2020. Collection method: clinical testing. Allele origin: de novo. Observed: 1 heterozygote. Study: CSER-NYCKidSeq.
Comment: The de novo c.1074+1966C>G variant identified in the SOS1 gene substitutes a Guanine for Cytosine (at the genomic nucleotide level) within intron8/22. This variant is absent from gnomAD(v3.1.1) suggesting it is not a common benign variant in the populations represented in that database. In silico algorithm SpliceAI suggests this variant has low probability of leading to a splice acceptor loss approximately 45bp upstream of this variant (delta score: 0.08), and theTranscript inferred Pathogenicity (TraP) score is 0.046, which does not predict an alteration to splicing. This variant is absent from ClinVar and to our current knowledge has not been reported in affected individuals in the literature. Given the lack of compelling evidence for its pathogenicity, the de novo c.1074+1966C>G variant identified in the SOS1 gene is reported as a Variant of Uncertain Significance.

NM_005633.4(SOS1):c.1074+1966C>G

Gene: SOS1 (SOS Ras/Rac guanine nucleotide exchange factor 1; minus strand). Cytogenetic location: 2p22.1.
Variant type: single nucleotide variant.
Coding change: c.1074+1966C>G on transcript NM_005633.4 (MANE Select); 1966 bases into the intron after coding-DNA position 1074, C replaced by G.
Molecular consequence: intron variant.
Genome position (GRCh38, 1-based): chr2:39,033,246, G>C on the plus strand (C>G on the coding strand, the complement: SOS1 is on the minus strand). VCF-style: chr2-39033246-G-C. GRCh37 (hg19) VCF-style: chr2-39260387-G-C.
Other names: c.1053+1966C>G (NM_001382394.1); c.1074+1966C>G (NM_001382395.1).
Identifiers: ClinVar variation 1679803 (VCV001679803.1), dbSNP rs2124558711, ClinGen allele CA2573134609.